The following is an entry in ClinVar:

NM_013266.4(CTNNA3):c.2099A>G (p.Asp700Gly)

Gene: CTNNA3 (catenin alpha 3; minus strand). Cytogenetic location: 10q21.3.
Variant type: single nucleotide variant.
Coding change: c.2099A>G on transcript NM_013266.4 (MANE Select); coding-DNA position 2099, A replaced by G.
Protein change: p.Asp700Gly; replaces aspartic acid 700 with glycine.
Molecular consequence: missense variant.
Genome position (GRCh38, 1-based): chr10:66,069,368, T>C on the plus strand (A>G on the coding strand, the complement: CTNNA3 is on the minus strand). VCF-style: chr10-66069368-T-C. GRCh37 (hg19) VCF-style: chr10-67829126-T-C.
Other names: c.2099A>G, p.Asp700Gly (NM_001127384.3); short protein forms D700G.
Identifiers: ClinVar variation 2626576 (VCV002626576.2), dbSNP rs1029223949, ClinGen allele CA208966601.

ClinVar aggregate classification (germline): Uncertain significance (1 of 4 stars; one submission).

Allele frequency attached by ClinVar (database versions not stated): gnomAD exomes below 0.00001; TOPMed below 0.00001; gnomAD 0.00001.
gnomAD v4.1: 2 of 1,613,652 alleles (0.00012%); highest among the groups gnomAD compares: Non-Finnish European, 0.00017%; no homozygotes.

Submission:

Ambry Genetics
Classification: Uncertain significance. Last evaluated: 2023-06-23. Review status: criteria provided, single submitter. Criteria: Ambry Variant Classification Scheme 2023. Collection method: clinical testing. Allele origin: germline.
Comment: The p.D700G variant (also known as c.2099A>G), located in coding exon 14 of the CTNNA3 gene, results from an A to G substitution at nucleotide position 2099. The aspartic acid at codon 700 is replaced by glycine, an amino acid with similar properties. This amino acid position is conserved. In addition, this alteration is predicted to be deleterious by in silico analysis. Since supporting evidence is limited at this time, the clinical significance of this alteration remains unclear.